The following is an entry in ClinVar:

ClinVar aggregate classification (germline): Uncertain significance (1 of 4 stars; one submission).

Conditions:
Dilated cardiomyopathy 1G (CMD1G). Identifiers: Orphanet 154, MedGen C1858763, MONDO:0011400, OMIM 604145.
Autosomal recessive limb-girdle muscular dystrophy type 2J (LGMDR10). Also called: Limb-girdle muscular dystrophy, type 2J; MUSCULAR DYSTROPHY, LIMB-GIRDLE, AUTOSOMAL RECESSIVE 10. Identifiers: Orphanet 140922, MedGen C1837342, MONDO:0012127, OMIM 608807.

Allele frequency attached by ClinVar (database versions not stated): TOPMed below 0.00001.
gnomAD v4.1: 1 of 1,613,986 alleles (0.000062%); highest among the groups gnomAD compares: Admixed American, 0.0017%; no homozygotes.

Submission:

Labcorp Genetics (formerly Invitae), Labcorp
Classification: Uncertain significance for Dilated cardiomyopathy 1G; Autosomal recessive limb-girdle muscular dystrophy type 2J. Last evaluated: 2022-05-19. Review status: criteria provided, single submitter. Criteria: Invitae Variant Classification Sherloc (09022015). Collection method: clinical testing. Allele origin: germline.
Comment: This sequence change replaces glutamine, which is neutral and polar, with arginine, which is basic and polar, at codon 34164 of the TTN protein (p.Gln34164Arg). This variant is present in population databases (no rsID available, gnomAD 0.003%). This variant has not been reported in the literature in individuals affected with TTN-related conditions. Experimental studies and prediction algorithms are not available or were not evaluated, and the functional significance of this variant is currently unknown. This variant is located in the M band of TTN (PMID: 25589632). Variants in this region may be relevant for neuromuscular disorders, but have not been definitively shown to cause cardiomyopathy (PMID: 23975875). In summary, the available evidence is currently insufficient to determine the role of this variant in disease. Therefore, it has been classified as a Variant of Uncertain Significance.

Literature cited by the submitters: PubMed 25589632; PubMed 23975875.

NM_001267550.2(TTN):c.102491A>G (p.Gln34164Arg)

Genes: TTN (titin; minus strand), TTN-AS1 (TTN antisense RNA 1; plus strand). Cytogenetic location: 2q31.2.
Variant type: single nucleotide variant.
Coding change: c.102491A>G on transcript NM_001267550.2 (MANE Select); coding-DNA position 102491, A replaced by G.
Protein change: p.Gln34164Arg; replaces glutamine 34164 with arginine.
Molecular consequence: missense variant.
Genome position (GRCh38, 1-based): chr2:178,534,124, T>C on the plus strand (A>G on the coding strand, the complement: TTN is on the minus strand). VCF-style: chr2-178534124-T-C. GRCh37 (hg19) VCF-style: chr2-179398851-T-C.
Other names: c.97568A>G, p.Gln32523Arg (NM_001256850.1); c.75296A>G, p.Gln25099Arg (NM_003319.4); c.94787A>G, p.Gln31596Arg (NM_133378.4); c.75671A>G, p.Gln25224Arg (NM_133432.3); c.75872A>G, p.Gln25291Arg (NM_133437.4); short protein forms Q25291R, Q31596R, Q25099R, Q25224R, Q34164R, Q32523R.
Identifiers: ClinVar variation 1984602 (VCV001984602.1), dbSNP rs1329503424, ClinGen allele CA349417415.